The following is an entry in ClinVar:

NM_001854.4(COL11A1):c.1488+5G>A

Gene: COL11A1 (collagen type XI alpha 1 chain; minus strand). Cytogenetic location: 1p21.1.
Variant type: single nucleotide variant.
Coding change: c.1488+5G>A on transcript NM_001854.4 (MANE Select); 5 bases into the intron after coding-DNA position 1488, G replaced by A.
Molecular consequence: intron variant.
Genome position (GRCh38, 1-based): chr1:103,015,663, C>T on the plus strand (G>A on the coding strand, the complement: COL11A1 is on the minus strand). VCF-style: chr1-103015663-C-T. GRCh37 (hg19) VCF-style: chr1-103481219-C-T.
Other names: c.1371+5G>A (NM_001190709.2); c.1524+5G>A (NM_080629.3); c.1140+5G>A (NM_080630.4).
Identifiers: ClinVar variation 2103977 (VCV002103977.4), dbSNP rs1666503469, ClinGen allele CA1185287687.

ClinVar aggregate classification (germline): Uncertain significance (1 of 4 stars; one submission).

Allele frequency attached by ClinVar (database versions not stated): TOPMed below 0.00001.
gnomAD v4.1: 4 of 1,600,160 alleles (0.00025%); highest among the groups gnomAD compares: Admixed American, 0.0017%; no homozygotes.

Submission:

Labcorp Genetics (formerly Invitae), Labcorp
Classification: Uncertain significance. Last evaluated: 2022-04-18. Review status: criteria provided, single submitter. Criteria: Invitae Variant Classification Sherloc (09022015). Collection method: clinical testing. Allele origin: germline.
Comment: This variant is not present in population databases (gnomAD no frequency). This sequence change falls in intron 12 of the COL11A1 gene. It does not directly change the encoded amino acid sequence of the COL11A1 protein. It affects a nucleotide within the consensus splice site. This variant has not been reported in the literature in individuals affected with COL11A1-related conditions. In summary, the available evidence is currently insufficient to determine the role of this variant in disease. Therefore, it has been classified as a Variant of Uncertain Significance. Variants that disrupt the consensus splice site are a relatively common cause of aberrant splicing (PMID: 17576681, 9536098). Algorithms developed to predict the effect of sequence changes on RNA splicing suggest that this variant may create or strengthen a splice site.

Literature cited by the submitters: PubMed 17576681; PubMed 9536098.